The following is an entry in ClinVar:

NM_004183.4(BEST1):c.1426C>T (p.Pro476Ser)

Gene: BEST1 (bestrophin 1; plus strand). Cytogenetic location: 11q12.3.
Variant type: single nucleotide variant.
Coding change: c.1426C>T on transcript NM_004183.4 (MANE Select); coding-DNA position 1426, C replaced by T.
Protein change: p.Pro476Ser; replaces proline 476 with serine.
Molecular consequence: missense variant. On other transcripts: non-coding transcript variant (1).
Genome position (GRCh38, 1-based): chr11:61,962,580, C>T. VCF-style: chr11-61962580-C-T. GRCh37 (hg19) VCF-style: chr11-61730052-C-T.
Other names: c.1246C>T, p.Pro416Ser (NM_001139443.3, NM_001300787.2); c.1165C>T, p.Pro389Ser (NM_001300786.2); c.1108C>T, p.Pro370Ser (NM_001363591.3); c.*321C>T (NM_001363592.2); c.454C>T, p.Pro152Ser (NM_001363593.3); short protein forms P152S, P476S, P389S, P416S, P370S.
Identifiers: ClinVar variation 1507342 (VCV001507342.9), dbSNP rs933520843, ClinGen allele CA222942199.

ClinVar aggregate classification (germline): Uncertain significance. Review status: criteria provided, multiple submitters, no conflicts (2 of 4 stars). 4 submissions from 4 submitters: Uncertain significance (4). Last evaluated 2026-09-08.

Conditions:
Inborn genetic diseases. Identifiers: MedGen C0950123, MeSH D030342.
BEST1-related disorder. Also called: BEST1-related condition; BEST1-related disorders. Identifiers: MedGen CN239200.

Allele frequency attached by ClinVar (database versions not stated): gnomAD exomes below 0.00001 and 0.00001; gnomAD 0.00001 and 0.00002; TOPMed 0.00003.
gnomAD v4.1: 8 of 1,614,062 alleles (0.0005%); highest among the groups gnomAD compares: Non-Finnish European, 0.00068%; no homozygotes.

Submissions (4):

PreventionGenetics, part of Exact Sciences
Classification: Uncertain significance for BEST1-related condition. Last evaluated: 2026-09-08. Review status: criteria provided, single submitter. Criteria: ACMG Guidelines, 2015. Collection method: clinical testing. Allele origin: germline.
Comment: The BEST1 c.1426C>T variant is predicted to result in the amino acid substitution p.Pro476Ser. To our knowledge, this variant has not been reported in the literature. This variant is reported in 0.0015% of alleles in individuals of European (Non-Finnish) descent in gnomAD. At this time, the clinical significance of this variant is uncertain due to the absence of conclusive functional and genetic evidence.

Blueprint Genetics
Classification: Uncertain significance. Last evaluated: 2024-08-15. Review status: criteria provided, single submitter. Criteria: ACMG Guidelines, 2015. Collection method: clinical testing. Allele origin: germline.

Labcorp Genetics (formerly Invitae), Labcorp
Classification: Uncertain significance. Last evaluated: 2024-06-02. Review status: criteria provided, single submitter. Criteria: Invitae Variant Classification Sherloc (09022015). Collection method: clinical testing. Allele origin: germline.
Comment: This sequence change replaces proline, which is neutral and non-polar, with serine, which is neutral and polar, at codon 476 of the BEST1 protein (p.Pro476Ser). The frequency data for this variant in the population databases is considered unreliable, as metrics indicate poor data quality at this position in the gnomAD database. This variant has not been reported in the literature in individuals affected with BEST1-related conditions. ClinVar contains an entry for this variant (Variation ID: 1507342). Advanced modeling of protein sequence and biophysical properties (such as structural, functional, and spatial information, amino acid conservation, physicochemical variation, residue mobility, and thermodynamic stability) has been performed at Invitae for this missense variant, however the output from this modeling did not meet the statistical confidence thresholds required to predict the impact of this variant on BEST1 protein function. In summary, the available evidence is currently insufficient to determine the role of this variant in disease. Therefore, it has been classified as a Variant of Uncertain Significance.

Ambry Genetics
Classification: Uncertain significance for Inborn genetic diseases. Last evaluated: 2023-02-07. Review status: criteria provided, single submitter. Criteria: Ambry Variant Classification Scheme 2023. Collection method: clinical testing. Allele origin: germline.